The following is an entry in ClinVar:

NM_000179.3(MSH6):c.2790dup (p.Ala931fs)

Gene: MSH6 (mutS homolog 6; plus strand). Cytogenetic location: 2p16.3.
Variant type: Duplication.
Coding change: c.2790dup on transcript NM_000179.3 (MANE Select); coding-DNA position 2790, one base duplicated (A; older notation c.2790dupA).
Protein change: p.Ala931fs; shifts the reading frame from alanine 931.
Molecular consequence: frameshift variant. On other transcripts: non-coding transcript variant (5), intron variant (2).
Genome position (GRCh38, 1-based): chr2:47,800,773, A duplicated; the last of 3 consecutive A bases (chr2:47,800,771-47,800,773); duplicating any one gives the same sequence. VCF-style (leftmost placement, unchanged base first): chr2-47800770-C-CA. GRCh37 (hg19) VCF-style: chr2-48027909-C-CA.
Other names: c.1884dup, p.Ala629fs (NM_001406829.1, NM_001281493.2, NM_001281494.2 and 6 more transcripts); c.2493dup, p.Ala832fs (NM_001406830.1, NM_001406797.1, NM_001406801.1 and 10 more transcripts); c.735dup, p.Ala246fs (NM_001407362.1); c.2400dup, p.Ala801fs (NM_001281492.2); c.2886dup, p.Ala963fs (NM_001406795.1, NM_001406802.1); c.2790dup, p.Ala931fs (NM_001406796.1, NM_001406798.1, NM_001406800.1 and 2 more transcripts); c.2265dup, p.Ala756fs (NM_001406799.1, NM_001406806.1, NM_001406807.1); c.2712dup, p.Ala905fs (NM_001406804.1); and 5 more; short protein forms A246fs, A931fs, A875fs, A905fs, A756fs, A933fs, A629fs, A801fs.
Identifiers: ClinVar variation 2567473 (VCV002567473.3), dbSNP rs2530693388, ClinGen allele CA2580611336.

ClinVar aggregate classification (germline): Pathogenic/Likely pathogenic. Review status: criteria provided, multiple submitters, no conflicts (2 of 4 stars). 2 submissions from 2 submitters: Pathogenic (1); Likely pathogenic (1). Last evaluated 2023-05-22.

Conditions:
Hereditary cancer-predisposing syndrome. Also called: Hereditary neoplastic syndrome; Hereditary Cancer Syndrome; Neoplastic Syndromes, Hereditary; Tumor predisposition. Identifiers: Orphanet 140162, MedGen C0027672, MeSH D009386, MONDO:0015356.
Endometrial carcinoma. Also called: Endometrial carcinoma, somatic. Identifiers: MedGen C0476089, MONDO:0002447, OMIM 608089, HP:0012114.

Submissions (2):

Ambry Genetics
Classification: Pathogenic for Hereditary cancer-predisposing syndrome. Last evaluated: 2023-05-22. Review status: criteria provided, single submitter. Criteria: Ambry Variant Classification Scheme 2023. Collection method: clinical testing. Allele origin: germline.
Comment: The c.2790dupA pathogenic mutation, located in coding exon 4 of the MSH6 gene, results from a duplication of A at nucleotide position 2790, causing a translational frameshift with a predicted alternate stop codon (p.A931Sfs*4). This variant is considered to be rare based on population cohorts in the Genome Aggregation Database (gnomAD). This alteration is expected to result in loss of function by premature protein truncation or nonsense-mediated mRNA decay. As such, this alteration is interpreted as a disease-causing mutation.

Baylor Genetics
Classification: Likely pathogenic for Endometrial carcinoma. Last evaluated: 2023-03-15. Review status: criteria provided, single submitter. Criteria: ACMG Guidelines, 2015. Collection method: clinical testing. Allele origin: unknown.